The following is an entry in ClinVar:

ClinVar aggregate classification (germline): Uncertain significance (1 of 4 stars; one submission).

Allele frequency attached by ClinVar (database versions not stated): TOPMed below 0.00001.

Submission:

Labcorp Genetics (formerly Invitae), Labcorp
Classification: Uncertain significance. Last evaluated: 2022-10-23. Review status: criteria provided, single submitter. Criteria: Invitae Variant Classification Sherloc (09022015). Collection method: clinical testing. Allele origin: germline.
Comment: In summary, the available evidence is currently insufficient to determine the role of this variant in disease. Therefore, it has been classified as a Variant of Uncertain Significance. Experimental studies have shown that this missense change affects PNLIP function (PMID: 30789418). Advanced modeling of protein sequence and biophysical properties (such as structural, functional, and spatial information, amino acid conservation, physicochemical variation, residue mobility, and thermodynamic stability) performed at Invitae indicates that this missense variant is not expected to disrupt PNLIP protein function. This sequence change replaces phenylalanine, which is neutral and non-polar, with leucine, which is neutral and non-polar, at codon 300 of the PNLIP protein (p.Phe300Leu). This variant is not present in population databases (gnomAD no frequency). This missense change has been observed in individual(s) with chronic pancreatitis (PMID: 30789418).

Literature cited by the submitters: PubMed 30789418.

NM_000936.4(PNLIP):c.900C>A (p.Phe300Leu)

Gene: PNLIP (pancreatic lipase; plus strand). Cytogenetic location: 10q25.3.
Variant type: single nucleotide variant.
Coding change: c.900C>A on transcript NM_000936.4 (MANE Select); coding-DNA position 900, C replaced by A.
Protein change: p.Phe300Leu; replaces phenylalanine 300 with leucine.
Molecular consequence: missense variant.
Genome position (GRCh38, 1-based): chr10:116,556,088, C>A. VCF-style: chr10-116556088-C-A. GRCh37 (hg19) VCF-style: chr10-118315600-C-A.
Other names: short protein forms F300L.
Identifiers: ClinVar variation 2418965 (VCV002418965.5), dbSNP rs890551695, ClinGen allele CA214644986.